The following is an entry in ClinVar:

NM_016169.4(SUFU):c.928G>A (p.Glu310Lys)

Gene: SUFU (SUFU negative regulator of hedgehog signaling; plus strand). Cytogenetic location: 10q24.32.
Variant type: single nucleotide variant.
Coding change: c.928G>A on transcript NM_016169.4 (MANE Select); coding-DNA position 928, G replaced by A.
Protein change: p.Glu310Lys; replaces glutamic acid 310 with lysine.
Molecular consequence: missense variant.
Genome position (GRCh38, 1-based): chr10:102,599,450, G>A. VCF-style: chr10-102599450-G-A. GRCh37 (hg19) VCF-style: chr10-104359207-G-A.
Other names: c.928G>A, p.Glu310Lys (NM_001178133.2); short protein forms E310K.
Identifiers: ClinVar variation 571806 (VCV000571806.15), dbSNP rs376797758, ClinGen allele CA5667820.

ClinVar aggregate classification (germline): Uncertain significance. Review status: criteria provided, multiple submitters, no conflicts (2 of 4 stars). 5 submissions from 5 submitters: Uncertain significance (5). Last evaluated 2025-12-08.

Conditions:
Gorlin syndrome. Also called: Nevoid Basal Cell Carcinoma Syndrome; Basal cell nevus syndrome. Identifiers: Orphanet 377, MedGen C0004779, MONDO:0007187.
Medulloblastoma (MDB). Also called: MEDULLOBLASTOMA PREDISPOSITION SYNDROME; Medulloblastoma, somatic. Identifiers: Orphanet 616, MedGen C0025149, MeSH D008527, MONDO:0007959, OMIM 155255, HP:0002885.
Hereditary cancer-predisposing syndrome. Also called: Hereditary neoplastic syndrome; Neoplastic Syndromes, Hereditary; Hereditary Cancer Syndrome; Tumor predisposition. Identifiers: Orphanet 140162, MedGen C0027672, MeSH D009386, MONDO:0015356.
Familial meningioma. Also called: Meningioma, familial, susceptibility to. Identifiers: Orphanet 263662, MedGen C3551915, MONDO:0011789, OMIM 607174.
Joubert syndrome 32 (JBTS32). Identifiers: MedGen C4540342, MONDO:0033309, OMIM 617757.
Basal cell nevus syndrome 2 (BCNS2). Also called: NEVOID BASAL CELL CARCINOMA SYNDROME 2. Identifiers: MedGen C5830451, MONDO:0958189, OMIM 620343.

Allele frequency attached by ClinVar (database versions not stated): gnomAD exomes below 0.00001 and 0.00002; TOPMed below 0.00001; ExAC 0.00001; gnomAD 0.00002; ESP Exome Variant Server 0.00008.

Submissions (5):

Labcorp Genetics (formerly Invitae), Labcorp
Classification: Uncertain significance for Gorlin syndrome; Medulloblastoma. Last evaluated: 2025-12-08. Review status: criteria provided, single submitter. Criteria: Invitae Variant Classification Sherloc (09022015). Collection method: clinical testing. Allele origin: germline.
Comment: This sequence change replaces glutamic acid, which is acidic and polar, with lysine, which is basic and polar, at codon 310 of the SUFU protein (p.Glu310Lys). This variant is present in population databases (rs376797758, gnomAD 0.002%). This variant has not been reported in the literature in individuals affected with SUFU-related conditions. ClinVar contains an entry for this variant (Variation ID: 571806). Invitae Evidence Modeling of protein sequence and biophysical properties (such as structural, functional, and spatial information, amino acid conservation, physicochemical variation, residue mobility, and thermodynamic stability) indicates that this missense variant is not expected to disrupt SUFU protein function with a negative predictive value of 80%. In summary, the available evidence is currently insufficient to determine the role of this variant in disease. Therefore, it has been classified as a Variant of Uncertain Significance.

Ambry Genetics
Classification: Uncertain significance for Hereditary cancer-predisposing syndrome. Last evaluated: 2024-08-19. Review status: criteria provided, single submitter. Criteria: Ambry Variant Classification Scheme 2023. Collection method: clinical testing. Allele origin: germline.
Comment: The p.E310K variant (also known as c.928G>A), located in coding exon 8 of the SUFU gene, results from a G to A substitution at nucleotide position 928. The glutamic acid at codon 310 is replaced by lysine, an amino acid with similar properties. This amino acid position is highly conserved in available vertebrate species. In addition, the in silico prediction for this alteration is inconclusive. Since supporting evidence is limited at this time, the clinical significance of this alteration remains unclear.

Fulgent Genetics
Classification: Uncertain significance for Medulloblastoma; Familial meningioma; Joubert syndrome 32; Basal cell nevus syndrome 2. Last evaluated: 2024-04-23. Review status: criteria provided, single submitter. Criteria: ACMG Guidelines, 2015. Collection method: clinical testing. Allele origin: germline.

Baylor Genetics
Classification: Uncertain significance for Familial meningioma. Last evaluated: 2024-03-21. Review status: criteria provided, single submitter. Criteria: ACMG Guidelines, 2015. Collection method: clinical testing. Allele origin: unknown.

GeneDx
Classification: Uncertain significance. Last evaluated: 2023-12-17. Review status: criteria provided, single submitter. Criteria: GeneDx Variant Classification Process June 2021. Collection method: clinical testing. Allele origin: germline. Affected: yes.
Comment: Not observed at significant frequency in large population cohorts (gnomAD); In silico analysis supports that this missense variant does not alter protein structure/function; Has not been previously published as pathogenic or benign to our knowledge; This variant is associated with the following publications: (PMID: 24311597)